The following is an entry in ClinVar:

NM_032387.5(WNK4):c.1653C>T (p.Pro551=)

Gene: WNK4 (WNK lysine deficient protein kinase 4; plus strand). Cytogenetic location: 17q21.2.
Variant type: single nucleotide variant.
Coding change: c.1653C>T on transcript NM_032387.5 (MANE Select); coding-DNA position 1653, C replaced by T.
Protein change: p.Pro551=; no amino-acid change (proline 551 retained).
Molecular consequence: synonymous variant.
Genome position (GRCh38, 1-based): chr17:42,787,454, C>T. VCF-style: chr17-42787454-C-T. GRCh37 (hg19) VCF-style: chr17-40939472-C-T.
Other names: c.645C>T, p.Pro215= (NM_001321299.2).
Identifiers: ClinVar variation 323324 (VCV000323324.39), dbSNP rs55751736, ClinGen allele CA8584046.

ClinVar aggregate classification (germline): Benign/Likely benign. Review status: criteria provided, multiple submitters, no conflicts (2 of 4 stars). 5 submissions from 5 submitters: Benign (3); Likely benign (2). Last evaluated 2026-08-01.

Conditions:
Pseudohypoaldosteronism type 2B (PHA2B). Also called: Pseudohypoaldosteronism Type IIB. Identifiers: Orphanet 757, Orphanet 88939, MedGen C1840390, MONDO:0013777, OMIM 614491.

Allele frequency attached by ClinVar (database versions not stated): 1000 Genomes Project 0.00300; 1000 Genomes Project 30x 0.00328; gnomAD 0.00559; TOPMed 0.00654; ExAC 0.00668; ESP Exome Variant Server 0.00669; gnomAD exomes 0.00689 and 0.00860.
gnomAD v4.1: 13,116 of 1,563,260 alleles (0.84%); highest among the groups gnomAD compares: Middle Eastern, 2%; 71 homozygotes.

Submissions (5):

CeGaT Center for Human Genetics Tuebingen
Classification: Likely benign. Last evaluated: 2026-08-01. Review status: criteria provided, single submitter. Criteria: CeGaT Center For Human Genetics Tuebingen Variant Classification Criteria Version 2. Collection method: clinical testing. Allele origin: germline. Affected: yes. Observed: 3 variant alleles.
Comment: WNK4: BP4, BP7, BS2

Labcorp Genetics (formerly Invitae), Labcorp
Classification: Benign. Last evaluated: 2026-02-01. Review status: criteria provided, single submitter. Criteria: Invitae Variant Classification Sherloc (09022015). Collection method: clinical testing. Allele origin: germline.

Blueprint Genetics
Classification: Likely benign. Last evaluated: 2024-11-27. Review status: criteria provided, single submitter. Criteria: ACMG Guidelines, 2015. Collection method: clinical testing. Allele origin: germline.

Illumina Laboratory Services, Illumina
Classification: Benign for Pseudohypoaldosteronism type 2B. Last evaluated: 2018-01-13. Review status: criteria provided, single submitter. Criteria: ICSL Variant Classification Criteria 13 December 2019. Collection method: clinical testing. Allele origin: germline.
Comment: This variant was observed in the ICSL laboratory as part of a predisposition screen in an ostensibly healthy population. It had not been previously curated by ICSL or reported in the Human Gene Mutation Database (HGMD: prior to June 1st, 2018), and was therefore a candidate for classification through an automated scoring system. Utilizing variant allele frequency, disease prevalence and penetrance estimates, and inheritance mode, an automated score was calculated to assess if this variant is too frequent to cause the disease. Based on the score and internal cut-off values, a variant classified as benign is not then subjected to further curation. The score for this variant resulted in a classification of benign for this disease.

Breakthrough Genomics
Classification: Benign. Review status: criteria provided, single submitter. Criteria: ACMG Guidelines, 2015. Collection method: not provided. Allele origin: germline. Inheritance: Autosomal dominant inheritance. Affected: yes.